The following is an entry in ClinVar:

NM_024426.6(WT1):c.1265-5C>T

Gene: WT1 (WT1 transcription factor; minus strand). Cytogenetic location: 11p13.
Variant type: single nucleotide variant.
Coding change: c.1265-5C>T on transcript NM_024426.6 (MANE Select); 5 bases into the intron before coding-DNA position 1265, C replaced by T.
Molecular consequence: intron variant.
Genome position (GRCh38, 1-based): chr11:32,392,760, G>A on the plus strand (C>T on the coding strand, the complement: WT1 is on the minus strand). VCF-style: chr11-32392760-G-A. GRCh37 (hg19) VCF-style: chr11-32414306-G-A.
Other names: c.1091-5C>T (NM_001407050.1); c.1142-5C>T (NM_001407047.1); c.1214-696C>T (NM_001407048.1); c.1214-5C>T (NM_001407049.1, NM_000378.6, NM_001407045.1); c.1259-5C>T (NM_001407044.1); c.1265-5C>T (NM_001407046.1, NM_024424.5); c.995-5C>T (NM_001429034.1, NM_001429033.1); c.1046-5C>T (NM_001429032.1, NM_001429031.1); and 4 more.
Identifiers: ClinVar variation 4634866 (VCV004634866.1).

ClinVar aggregate classification (germline): Uncertain significance (1 of 4 stars; one submission).

Conditions:
Inborn genetic diseases. Identifiers: MedGen C0950123, MeSH D030342.

gnomAD v4.1: 2 of 1,613,386 alleles (0.00012%); highest among the groups gnomAD compares: East Asian, 0.0022%; no homozygotes.

Submission:

Ambry Genetics
Classification: Uncertain significance for Inborn genetic diseases. Last evaluated: 2025-11-14. Review status: criteria provided, single submitter. Criteria: Ambry Variant Classification Scheme 2023. Collection method: clinical testing. Allele origin: germline.
Comment: The c.1250-5C>T intronic variant results from a C to T substitution 5 nucleotides upstream from coding exon 8 in the WT1 gene. This nucleotide position is not well conserved in available vertebrate species. In silico splice site analysis predicts that this alteration will not have any significant effect on splicing. Based on the available evidence, the clinical significance of this variant remains unclear.